The following is an entry in ClinVar:

ClinVar aggregate classification (germline): Pathogenic (1 of 4 stars; one submission).

Conditions:
Hypertrophic cardiomyopathy 26. Also called: Cardiomyopathy, familial hypertrophic, 26. Identifiers: Orphanet 75249, MedGen C4310749, MONDO:0014883, OMIM 617047.
Myofibrillar myopathy 5. Also called: Filaminopathy (type); FILAMINOPATHY, AUTOSOMAL DOMINANT. Identifiers: Orphanet 171445, MedGen C1836050, MONDO:0012289, OMIM 609524.
Distal myopathy with posterior leg and anterior hand involvement. Also called: WILLIAMS DISTAL MYOPATHY. Identifiers: Orphanet 63273, MedGen C3279722, MONDO:0013550, OMIM 614065.

Submission:

Labcorp Genetics (formerly Invitae), Labcorp
Classification: Pathogenic for Distal myopathy with posterior leg and anterior hand involvement; Myofibrillar myopathy 5; Hypertrophic cardiomyopathy 26. Last evaluated: 2025-08-30. Review status: criteria provided, single submitter. Criteria: Invitae Variant Classification Sherloc (09022015). Collection method: clinical testing. Allele origin: germline.
Comment: This sequence change creates a premature translational stop signal (p.Thr633Hisfs*13) in the FLNC gene. It is expected to result in an absent or disrupted protein product. Loss-of-function variants in FLNC are known to be pathogenic (PMID: 27908349). This variant is not present in population databases (gnomAD no frequency). This variant has not been reported in the literature in individuals affected with FLNC-related conditions. For these reasons, this variant has been classified as Pathogenic.

Literature cited by the submitters: PubMed 27908349.

NM_001458.5(FLNC):c.1896dup (p.Thr633fs)

Gene: FLNC (filamin C; plus strand). Cytogenetic location: 7q32.1.
Variant type: Duplication.
Coding change: c.1896dup on transcript NM_001458.5 (MANE Select); coding-DNA position 1896, one base duplicated (C; older notation c.1896dupC).
Protein change: p.Thr633fs; shifts the reading frame from threonine 633.
Molecular consequence: frameshift variant.
Genome position (GRCh38, 1-based): chr7:128,841,252, C duplicated; the last of 3 consecutive C bases (chr7:128,841,250-128,841,252); duplicating any one gives the same sequence. VCF-style (leftmost placement, unchanged base first): chr7-128841249-G-GC. GRCh37 (hg19) VCF-style: chr7-128481303-G-GC.
Other names: c.1896dup, p.Thr633fs (NM_001127487.2); short protein forms T633fs.
Identifiers: ClinVar variation 4812526 (VCV004812526.1).